The following is an entry in ClinVar:

NM_000455.5(STK11):c.516T>C (p.Ile172=)

Gene: STK11 (serine/threonine kinase 11; plus strand). Cytogenetic location: 19p13.3.
Variant type: single nucleotide variant.
Coding change: c.516T>C on transcript NM_000455.5 (MANE Select); coding-DNA position 516, T replaced by C.
Protein change: p.Ile172=; no amino-acid change (isoleucine 172 retained).
Molecular consequence: synonymous variant.
Genome position (GRCh38, 1-based): chr19:1,220,424, T>C. VCF-style: chr19-1220424-T-C. GRCh37 (hg19) VCF-style: chr19-1220423-T-C.
Identifiers: ClinVar variation 795572 (VCV000795572.10), dbSNP rs1599926504, ClinGen allele CA504892311.

ClinVar aggregate classification (germline): Benign/Likely benign. Review status: criteria provided, multiple submitters, no conflicts (2 of 4 stars). 3 submissions from 3 submitters: Benign (1); Likely benign (2). Last evaluated 2025-10-23.

Conditions:
Peutz-Jeghers syndrome (PJS). Also called: POLYPOSIS, HAMARTOMATOUS INTESTINAL; POLYPS-AND-SPOTS SYNDROME; Peutz-Jeghers polyposis; Periorificial lentiginosis syndrome. Identifiers: Orphanet 2869, MedGen C0031269, MeSH D010580, MONDO:0008280, OMIM 175200.
Hereditary cancer-predisposing syndrome. Also called: Neoplastic Syndromes, Hereditary; Hereditary Cancer Syndrome; Tumor predisposition; Hereditary neoplastic syndrome. Identifiers: Orphanet 140162, MedGen C0027672, MeSH D009386, MONDO:0015356.

Submissions (3):

Labcorp Genetics (formerly Invitae), Labcorp
Classification: Likely benign for Peutz-Jeghers syndrome. Last evaluated: 2025-10-23. Review status: criteria provided, single submitter. Criteria: Invitae Variant Classification Sherloc (09022015). Collection method: clinical testing. Allele origin: germline.

Myriad Genetics, Inc.
Classification: Benign for Peutz-Jeghers syndrome. Last evaluated: 2025-03-26. Review status: criteria provided, single submitter. Criteria: Myriad Autosomal Dominant, Autosomal Recessive and X-Linked Classification Criteria (2023). Collection method: clinical testing. Allele origin: unknown.
Comment: This variant is considered benign. This variant is a silent/synonymous amino acid change and it is not expected to impact splicing.

Ambry Genetics
Classification: Likely benign for Hereditary cancer-predisposing syndrome. Last evaluated: 2023-10-22. Review status: criteria provided, single submitter. Criteria: Ambry Variant Classification Scheme 2023. Collection method: clinical testing. Allele origin: germline.